The following is an entry in ClinVar:

ClinVar aggregate classification (germline): Uncertain significance. Review status: criteria provided, multiple submitters, no conflicts (2 of 4 stars). 4 submissions from 4 submitters: Uncertain significance (4). Last evaluated 2025-07-01.

Conditions:
TTN-related disorder. Also called: TTN-related condition; TTN-related disease; TTN-related disorders.
Cardiomyopathy (CMYO). Also called: Cardiomyopathies. Identifiers: Orphanet 167848, MedGen C0878544, MONDO:0004994, HP:0001638. Inheritance: Various modes of inheritance.

Allele frequency attached by ClinVar (database versions not stated): ExAC 0.00002; gnomAD exomes 0.00002 and 0.00009; TOPMed 0.00004; gnomAD 0.00005 and 0.00006.
gnomAD v4.1: 141 of 1,613,152 alleles (0.0087%); highest among the groups gnomAD compares: Non-Finnish European, 0.012%; no homozygotes.

Submissions (4):

CeGaT Center for Human Genetics Tuebingen
Classification: Uncertain significance. Last evaluated: 2025-07-01. Review status: criteria provided, single submitter. Criteria: CeGaT Center For Human Genetics Tuebingen Variant Classification Criteria Version 2. Collection method: clinical testing. Allele origin: germline. Affected: yes. Observed: 3 variant alleles.
Comment: TTN: PM2, BP4

PreventionGenetics, part of Exact Sciences
Classification: Uncertain significance for TTN-related condition. Last evaluated: 2022-11-01. Review status: criteria provided, single submitter. Criteria: ACMG Guidelines, 2015. Collection method: clinical testing. Allele origin: germline.
Comment: The TTN c.60364G>A variant is predicted to result in the amino acid substitution p.Asp20122Asn. To our knowledge, this variant has not been reported in the literature. This variant is reported in 0.0055% of alleles in individuals of European (Non-Finnish) descent in gnomAD. At this time, the clinical significance of this variant is uncertain due to the absence of conclusive functional and genetic evidence.

CHEO Genetics Diagnostic Laboratory, Children's Hospital of Eastern Ontario
Classification: Uncertain significance for Cardiomyopathy. Last evaluated: 2020-08-31. Review status: criteria provided, single submitter. Criteria: ACMG Guidelines, 2015. Collection method: clinical testing. Allele origin: germline.

Eurofins Ntd Llc (ga)
Classification: Uncertain significance. Last evaluated: 2017-06-27. Review status: criteria provided, single submitter. Criteria: EGL Classification Definitions 2015. Collection method: clinical testing. Allele origin: germline. Observed: 1 variant allele, 1 heterozygote.

NM_001267550.2(TTN):c.60364G>A (p.Asp20122Asn)

Genes: TTN (titin; minus strand), TTN-AS1 (TTN antisense RNA 1; plus strand). Cytogenetic location: 2q31.2.
Variant type: single nucleotide variant.
Coding change: c.60364G>A on transcript NM_001267550.2 (MANE Select); coding-DNA position 60364, G replaced by A.
Protein change: p.Asp20122Asn; replaces aspartic acid 20122 with asparagine.
Molecular consequence: missense variant.
Genome position (GRCh38, 1-based): chr2:178,591,361, C>T on the plus strand (G>A on the coding strand, the complement: TTN is on the minus strand). VCF-style: chr2-178591361-C-T. GRCh37 (hg19) VCF-style: chr2-179456088-C-T.
Other names: c.55441G>A, p.Asp18481Asn (NM_001256850.1); c.33169G>A, p.Asp11057Asn (NM_003319.4); c.52660G>A, p.Asp17554Asn (NM_133378.4); c.33544G>A, p.Asp11182Asn (NM_133432.3); c.33745G>A, p.Asp11249Asn (NM_133437.4); short protein forms D17554N, D20122N, D11182N, D18481N, D11057N, D11249N.
Identifiers: ClinVar variation 502724 (VCV000502724.49), dbSNP rs776191153, ClinGen allele CA1992498.
Genomic context (GRCh38, chr2:178,591,361, plus strand): 5'-AGCAGTTCTTAATGGTAAGTACTGATGAGAAGTTGTCTGTTTCAACTGTGTAGTGCTCAT[C>T]GGTTTTAATCTCACTCCCATCGGTTGTCCACTTTGCAGTAGGAACAGGCACACCTCTTAT-3'
Protein context (NP_001254479.2, residues 20112-20132): WTTDGSEIKT[Asp20122Asn]EHYTVETDNF